The following is an entry in ClinVar:

NM_001349798.2(FBXW7):c.1793A>T (p.Asn598Ile)

Gene: FBXW7 (F-box and WD repeat domain containing 7; minus strand). Cytogenetic location: 4q31.3.
Variant type: single nucleotide variant.
Coding change: c.1793A>T on transcript NM_001349798.2 (MANE Select); coding-DNA position 1793, A replaced by T.
Protein change: p.Asn598Ile; replaces asparagine 598 with isoleucine.
Molecular consequence: missense variant.
Genome position (GRCh38, 1-based): chr4:152,324,246, T>A on the plus strand (A>T on the coding strand, the complement: FBXW7 is on the minus strand). VCF-style: chr4-152324246-T-A. GRCh37 (hg19) VCF-style: chr4-153245398-T-A.
Other names: c.1439A>T, p.Asn480Ile (NM_001013415.2); c.1553A>T, p.Asn518Ile (NM_018315.5); c.1793A>T, p.Asn598Ile (NM_033632.3); short protein forms N480I, N518I, N598I.
Identifiers: ClinVar variation 2632735 (VCV002632735.2), dbSNP rs2126476768, ClinGen allele CA358617505.

ClinVar aggregate classification (germline): Likely pathogenic (1 of 4 stars; one submission).

Conditions:
FBXW7-related disorder. Also called: FBXW7-related disorders; FBXW7-related condition.

Submission:

PreventionGenetics, part of Exact Sciences
Classification: Likely pathogenic for FBXW7-related condition. Last evaluated: 2025-01-24. Review status: criteria provided, single submitter. Criteria: ACMG Guidelines, 2015. Collection method: clinical testing. Allele origin: germline.
Comment: The FBXW7 c.1793A>T variant is predicted to result in the amino acid substitution p.Asn598Ile. To our knowledge, this variant has not been reported in the literature or in a large population database (gnomAD), indicating this variant is rare. Of note, de novo and inherited variants in FBXW7 have been reported in individuals with a neurodevelopmental syndrome (Stephenson et al. 2022. PubMed ID: 35395208). This variant is present in the WD40 domain of the FBXW7 protein and is located near other de novo variants that have been reported (Stephenson et al. 2022. PubMed ID: 35395208). Taken together, this variant is interpreted as likely pathogenic.